The following is an entry in ClinVar:

ClinVar aggregate classification (germline): Uncertain significance (1 of 4 stars; one submission).

Allele frequency attached by ClinVar (database versions not stated): gnomAD exomes below 0.00001; TOPMed below 0.00001; ExAC 0.00001; gnomAD 0.00001.
gnomAD v4.1: 11 of 1,612,858 alleles (0.00068%); highest among the groups gnomAD compares: African/African-American, 0.0013%; no homozygotes.

Submission:

Labcorp Genetics (formerly Invitae), Labcorp
Classification: Uncertain significance. Last evaluated: 2023-10-23. Review status: criteria provided, single submitter. Criteria: Invitae Variant Classification Sherloc (09022015). Collection method: clinical testing. Allele origin: germline.
Comment: This sequence change replaces valine, which is neutral and non-polar, with isoleucine, which is neutral and non-polar, at codon 717 of the LRP2 protein (p.Val717Ile). This variant is present in population databases (rs777941486, gnomAD 0.003%). This variant has not been reported in the literature in individuals affected with LRP2-related conditions. ClinVar contains an entry for this variant (Variation ID: 1498642). Advanced modeling of protein sequence and biophysical properties (such as structural, functional, and spatial information, amino acid conservation, physicochemical variation, residue mobility, and thermodynamic stability) performed at Invitae indicates that this missense variant is not expected to disrupt LRP2 protein function with a negative predictive value of 80%. In summary, the available evidence is currently insufficient to determine the role of this variant in disease. Therefore, it has been classified as a Variant of Uncertain Significance.

NM_004525.3(LRP2):c.2149G>A (p.Val717Ile)

Gene: LRP2 (LDL receptor related protein 2; minus strand). Cytogenetic location: 2q31.1.
Variant type: single nucleotide variant.
Coding change: c.2149G>A on transcript NM_004525.3 (MANE Select); coding-DNA position 2149, G replaced by A.
Protein change: p.Val717Ile; replaces valine 717 with isoleucine.
Molecular consequence: missense variant.
Genome position (GRCh38, 1-based): chr2:169,271,075, C>T on the plus strand (G>A on the coding strand, the complement: LRP2 is on the minus strand). VCF-style: chr2-169271075-C-T. GRCh37 (hg19) VCF-style: chr2-170127585-C-T.
Other names: short protein forms V717I.
Identifiers: ClinVar variation 1498642 (VCV001498642.8), dbSNP rs777941486, ClinGen allele CA1955367.